The following is an entry in ClinVar:

NM_000021.4(PSEN1):c.323G>A (p.Arg108Gln)

Gene: PSEN1 (presenilin 1; plus strand). Cytogenetic location: 14q24.2.
Variant type: single nucleotide variant.
Coding change: c.323G>A on transcript NM_000021.4 (MANE Select); coding-DNA position 323, G replaced by A.
Protein change: p.Arg108Gln; replaces arginine 108 with glutamine.
Molecular consequence: missense variant.
Genome position (GRCh38, 1-based): chr14:73,171,032, G>A. VCF-style: chr14-73171032-G-A. GRCh37 (hg19) VCF-style: chr14-73637740-G-A.
Other names: c.311G>A, p.Arg104Gln (NM_007318.3); short protein forms R104Q, R108Q.
Identifiers: ClinVar variation 2924220 (VCV002924220.3), dbSNP rs200646139, ClinGen allele CA7256709.

ClinVar aggregate classification (germline): Uncertain significance (1 of 4 stars; one submission).

Conditions:
Alzheimer disease 3 (AD3). Also called: ALZHEIMER DISEASE, FAMILIAL, 3. Identifiers: Orphanet 1020, MedGen C1843013, MONDO:0011913, OMIM 607822.
Frontotemporal dementia (FTD1). Also called: Frontotemporal lobe dementia (FLDEM); FRONTOTEMPORAL LOBAR DEGENERATION WITH TAU INCLUSIONS; FTLD WITH TAU INCLUSIONS; Dementia, frontotemporal, with or without parkinsonism; Frontotemporal Dementia with Parkinsonism-17 (FTDP-17); FRONTOTEMPORAL DEMENTIA WITH PARKINSONISM. Identifiers: Orphanet 282, MedGen C0338451, MONDO:0017276, OMIM 600274, HP:0002145.
Pick disease. Also called: PICK DISEASE OF BRAIN; DEMENTIA WITH LOBAR ATROPHY AND NEURONAL CYTOPLASMIC INCLUSIONS; LOBAR ATROPHY OF BRAIN; Pick's disease; Pick Disease of the Brain. Identifiers: Orphanet 282, MedGen C0236642, MONDO:0008243, OMIM 172700.
Acne inversa, familial, 3 (ACNINV3). Identifiers: MedGen C3151038, MONDO:0013398, OMIM 613737.

Allele frequency attached by ClinVar (database versions not stated): ExAC 0.00001; gnomAD 0.00001; gnomAD exomes 0.00001; TOPMed 0.00002.
gnomAD v4.1: 10 of 1,614,024 alleles (0.00062%); highest among the groups gnomAD compares: South Asian, 0.0011%; no homozygotes.

Submission:

Labcorp Genetics (formerly Invitae), Labcorp
Classification: Uncertain significance for Alzheimer disease 3; Pick disease; Acne inversa, familial, 3; Frontotemporal dementia. Last evaluated: 2023-01-26. Review status: criteria provided, single submitter. Criteria: Invitae Variant Classification Sherloc (09022015). Collection method: clinical testing. Allele origin: germline.
Comment: In summary, the available evidence is currently insufficient to determine the role of this variant in disease. Therefore, it has been classified as a Variant of Uncertain Significance. Experimental studies have shown that this missense change affects PSEN1 function (PMID: 27930341, 32087291). Advanced modeling of protein sequence and biophysical properties (such as structural, functional, and spatial information, amino acid conservation, physicochemical variation, residue mobility, and thermodynamic stability) performed at Invitae indicates that this missense variant is not expected to disrupt PSEN1 protein function. This missense change has been observed in individual(s) with clinical features of PSEN1-related conditions (PMID: 22221884, 30279455). This variant is present in population databases (rs200646139, gnomAD 0.01%). This sequence change replaces arginine, which is basic and polar, with glutamine, which is neutral and polar, at codon 108 of the PSEN1 protein (p.Arg108Gln).

Literature cited by the submitters: PubMed 27930341; PubMed 32087291; PubMed 22221884; PubMed 30279455.